The following is an entry in ClinVar:

ClinVar aggregate classification (germline): Benign/Likely benign. Review status: criteria provided, multiple submitters, no conflicts (2 of 4 stars). 6 submissions from 6 submitters: Benign (1); Likely benign (5). Last evaluated 2026-01-01.

Conditions:
Intellectual developmental disorder, autosomal recessive 48. Also called: Progressive essential tremor-speech impairment-facial dysmorphism-intellectual disability-abnormal behavior syndrome. Identifiers: Orphanet 457212, MedGen C4225395, MONDO:0014559, OMIM 616269.

Allele frequency attached by ClinVar (database versions not stated): gnomAD exomes 0.00034; 1000 Genomes Project 0.00080; ESP Exome Variant Server 0.00161; ExAC 0.00043; 1000 Genomes Project 30x 0.00078; TOPMed 0.00139; gnomAD 0.00129 and 0.00138.
gnomAD v4.1: 465 of 1,614,132 alleles (0.029%); highest among the groups gnomAD compares: African/African-American, 0.48%; 1 homozygote.

Submissions (6):

CeGaT Center for Human Genetics Tuebingen
Classification: Likely benign. Last evaluated: 2026-01-01. Review status: criteria provided, single submitter. Criteria: CeGaT Center For Human Genetics Tuebingen Variant Classification Criteria Version 2. Collection method: clinical testing. Allele origin: germline. Affected: yes. Observed: 2 variant alleles.
Comment: SLC6A17: BP4, BP7

Blueprint Genetics
Classification: Likely benign. Last evaluated: 2024-11-06. Review status: criteria provided, single submitter. Criteria: ACMG Guidelines, 2015. Collection method: clinical testing. Allele origin: germline.

Genome-Nilou Lab
Classification: Likely benign for Intellectual developmental disorder, autosomal recessive 48. Last evaluated: 2023-04-11. Review status: criteria provided, single submitter. Criteria: ACMG Guidelines, 2015. Collection method: clinical testing. Allele origin: germline. Affected: no.

Labcorp Genetics (formerly Invitae), Labcorp
Classification: Benign. Last evaluated: 2019-12-31. Review status: criteria provided, single submitter. Criteria: Invitae Variant Classification Sherloc (09022015). Collection method: clinical testing. Allele origin: germline.

Genetic Services Laboratory, University of Chicago
Classification: Likely benign. Last evaluated: 2017-01-19. Review status: criteria provided, single submitter. Criteria: ACMG Guidelines, 2015. Collection method: clinical testing. Allele origin: germline. Affected: no.

Breakthrough Genomics
Classification: Likely benign. Review status: criteria provided, single submitter. Criteria: ACMG Guidelines, 2015. Collection method: not provided. Allele origin: germline. Inheritance: Autosomal recessive inheritance. Affected: yes.

NM_001010898.4(SLC6A17):c.525G>A (p.Pro175=)

Gene: SLC6A17 (solute carrier family 6 member 17; plus strand). Cytogenetic location: 1p13.3.
Variant type: single nucleotide variant.
Coding change: c.525G>A on transcript NM_001010898.4 (MANE Select); coding-DNA position 525, G replaced by A.
Protein change: p.Pro175=; no amino-acid change (proline 175 retained).
Molecular consequence: synonymous variant.
Genome position (GRCh38, 1-based): chr1:110,174,053, G>A. VCF-style: chr1-110174053-G-A. GRCh37 (hg19) VCF-style: chr1-110716675-G-A.
Identifiers: ClinVar variation 436762 (VCV000436762.21), dbSNP rs142901935, ClinGen allele CA997931.
Genomic context (GRCh38, chr1:110,174,053, plus strand): 5'-GTATTATAATGTGATCATCGGGTGGAGCATCTTCTATTTCTTCAAGTCCTTCCAGTACCC[G>A]CTGCCCTGGAGTGAATGTCCTGTCGTCAGGAATGGGAGCGTGGCAGGCAAGTATGGGGCC-3'
Protein context (NP_001010898.1, residues 165-185): IFYFFKSFQY[Pro175=]LPWSECPVVR